The following is an entry in ClinVar:

NM_020297.4(ABCC9):c.1455+10A>G

Gene: ABCC9 (ATP binding cassette subfamily C member 9; minus strand). Cytogenetic location: 12p12.1.
Variant type: single nucleotide variant.
Coding change: c.1455+10A>G on transcript NM_020297.4 (MANE Select); 10 bases into the intron after coding-DNA position 1455, A replaced by G.
Molecular consequence: intron variant.
Genome position (GRCh38, 1-based): chr12:21,908,067, T>C on the plus strand (A>G on the coding strand, the complement: ABCC9 is on the minus strand). VCF-style: chr12-21908067-T-C. GRCh37 (hg19) VCF-style: chr12-22061001-T-C.
Other names: c.591+10A>G (NM_001377274.1); c.1455+10A>G (NM_005691.4, NM_001377273.1).
Identifiers: ClinVar variation 514031 (VCV000514031.1), dbSNP rs1555113022, ClinGen allele CA658797849.

ClinVar aggregate classification (germline): Likely benign (1 of 4 stars; one submission).

Allele frequency attached by ClinVar (database versions not stated): gnomAD exomes below 0.00001.
gnomAD v4.1: 1 of 1,611,804 alleles (0.000062%); highest among the groups gnomAD compares: Non-Finnish European, 0.000085%; no homozygotes.

Submission:

GeneDx
Classification: Likely benign. Last evaluated: 2017-12-12. Review status: criteria provided, single submitter. Criteria: GeneDx Variant Classification (06012015). Collection method: clinical testing. Allele origin: germline. Affected: yes.
Comment: This variant is considered likely benign or benign based on one or more of the following criteria: it is a conservative change, it occurs at a poorly conserved position in the protein, it is predicted to be benign by multiple in silico algorithms, and/or has population frequency not consistent with disease.